The following is an entry in ClinVar:

NM_000553.6(WRN):c.4128del (p.Gly1377fs)

Gene: WRN (WRN RecQ like helicase; plus strand). Cytogenetic location: 8p12.
Variant type: Deletion.
Coding change: c.4128del on transcript NM_000553.6 (MANE Select); coding-DNA position 4128, one base deleted (C; older notation c.4128delC).
Protein change: p.Gly1377fs; shifts the reading frame from glycine 1377.
Molecular consequence: frameshift variant.
Genome position (GRCh38, 1-based): chr8:31,167,167, C deleted; the last of 3 consecutive C bases (chr8:31,167,165-31,167,167); deleting any one gives the same sequence. VCF-style (leftmost placement, unchanged base first): chr8-31167164-TC-T. GRCh37 (hg19) VCF-style: chr8-31024680-TC-T.
Other names: c.4128del (NM_000553.4); short protein forms G1377fs.
Identifiers: ClinVar variation 577873 (VCV000577873.7), dbSNP rs766643585, ClinGen allele CA174886861.
Genomic context (GRCh38, chr8:31,167,164, plus strand): 5'-TAAACATGGTCCTGACAGCGGACTTCAACCTTCATGTGATGTCAACAAAAGGAGATGTTT[TC>T]CCGGTTCTGAAGAGATCTGTTCAAGTTCTAAGAGAAGCAAGGAAGAAGTAGGCATCAATA-3'

ClinVar aggregate classification (germline): Uncertain significance (1 of 4 stars; one submission).

Conditions:
Werner syndrome (WRN). Identifiers: Orphanet 902, MedGen C0043119, MONDO:0010196, OMIM 277700.

Submission:

Labcorp Genetics (formerly Invitae), Labcorp
Classification: Uncertain significance for Werner syndrome. Last evaluated: 2024-04-16. Review status: criteria provided, single submitter. Criteria: Invitae Variant Classification Sherloc (09022015). Collection method: clinical testing. Allele origin: germline.
Comment: This sequence change creates a premature translational stop signal (p.Gly1377Valfs*16) in the WRN gene. While this is not anticipated to result in nonsense mediated decay, it is expected to disrupt the last 56 amino acid(s) of the WRN protein. This variant is present in population databases (rs766643585, gnomAD 0.0009%). This premature translational stop signal has been observed in individual(s) with osteosarcoma (PMID: 32191290). ClinVar contains an entry for this variant (Variation ID: 577873). Experimental studies and prediction algorithms are not available or were not evaluated, and the functional significance of this variant is currently unknown. In summary, the available evidence is currently insufficient to determine the role of this variant in disease. Therefore, it has been classified as a Variant of Uncertain Significance.

Literature cited by the submitters: PubMed 32191290.